The following is an entry in ClinVar:

ClinVar aggregate classification (germline): Uncertain significance (1 of 4 stars; one submission).

Conditions:
Hereditary cancer-predisposing syndrome. Also called: Neoplastic Syndromes, Hereditary; Tumor predisposition; Hereditary Cancer Syndrome; Hereditary neoplastic syndrome. Identifiers: Orphanet 140162, MedGen C0027672, MeSH D009386, MONDO:0015356.

Submission:

Ambry Genetics
Classification: Uncertain significance for Hereditary cancer-predisposing syndrome. Last evaluated: 2026-05-14. Review status: criteria provided, single submitter. Criteria: Ambry Variant Classification Scheme 2023. Collection method: clinical testing. Allele origin: germline.
Comment: The p.N987H variant (also known as c.2959A>C), located in coding exon 10 of the BRCA2 gene, results from an A to C substitution at nucleotide position 2959. The asparagine at codon 987 is replaced by histidine, an amino acid with similar properties. This amino acid position is conserved. In addition, this alteration is predicted to be tolerated by in silico analysis. Based on the available evidence, the clinical significance of this variant remains unclear.

NM_000059.4(BRCA2):c.2959A>C (p.Asn987His)

Gene: BRCA2 (BRCA2 DNA repair associated; plus strand). Cytogenetic location: 13q13.1.
Variant type: single nucleotide variant.
Coding change: c.2959A>C on transcript NM_000059.4 (MANE Select); coding-DNA position 2959, A replaced by C.
Protein change: p.Asn987His; replaces asparagine 987 with histidine.
Molecular consequence: missense variant. On other transcripts: non-coding transcript variant (1), intron variant (2).
Genome position (GRCh38, 1-based): chr13:32,337,314, A>C. VCF-style: chr13-32337314-A-C. GRCh37 (hg19) VCF-style: chr13-32911451-A-C.
Other names: c.2959A>C, p.Asn987His (NM_001406719.1, NM_001406720.1, NM_001432077.1); c.1909+3927A>C (NM_001406721.1); c.424+6284A>C (NM_001406722.1); short protein forms N987H.
Identifiers: ClinVar variation 4867859 (VCV004867859.1).